The following is an entry in ClinVar:

NM_001048174.2(MUTYH):c.995G>A (p.Arg332Lys)

Gene: MUTYH (mutY DNA glycosylase; minus strand). Cytogenetic location: 1p34.1.
Variant type: single nucleotide variant.
Coding change: c.995G>A on transcript NM_001048174.2 (MANE Select); coding-DNA position 995, G replaced by A.
Protein change: p.Arg332Lys; replaces arginine 332 with lysine.
Molecular consequence: missense variant. On other transcripts: non-coding transcript variant (7).
Genome position (GRCh38, 1-based): chr1:45,331,768, C>T on the plus strand (G>A on the coding strand, the complement: MUTYH is on the minus strand). VCF-style: chr1-45331768-C-T. GRCh37 (hg19) VCF-style: chr1-45797440-C-T.
Other names: c.995G>A, p.Arg332Lys (NM_001293195.2, NM_001407070.1, NM_001407072.1 and 6 more transcripts); c.719G>A, p.Arg240Lys (NM_001293196.2, NM_001407091.1, NM_001293192.2); c.650G>A, p.Arg217Lys (NM_001350650.2, NM_001350651.2, NM_001407082.1); c.1028G>A, p.Arg343Lys (NM_001407069.1, NM_001293191.2, NM_001407077.1); c.998G>A, p.Arg333Lys (NM_001407071.1, NM_001048172.2, NM_001407078.1 and 1 more transcripts); c.1016G>A, p.Arg339Lys (NM_001407087.1); c.1070G>A, p.Arg357Lys (NM_012222.3); c.1079G>A, p.Arg360Lys (NM_001128425.2); and 5 more; short protein forms R333K, R360K, R217K, R332K, R357K, R304K, R318K, R319K.
Identifiers: ClinVar variation 4112985 (VCV004112985.1).
Genomic context (GRCh38, chr1:45,331,768, plus strand): 5'-GGCTGTTCCAGAACACAGGTGGCAGAGCTCTCCTCCCTGGGGGGCTTGCGGCTGGCCTTT[C>T]TGGGGAAGTTGACCACTCCCAGGGTCTGGTCCCAGGGCTCCGAGGGAGGCAGGCACAGGT-3'
Protein context (NP_001041639.1, residues 322-342): DQTLGVVNFP[Arg332Lys]KASRKPPREE

ClinVar aggregate classification (germline): Uncertain significance (1 of 4 stars; one submission).

Conditions:
Hereditary cancer-predisposing syndrome. Also called: Tumor predisposition; Neoplastic Syndromes, Hereditary; Hereditary neoplastic syndrome; Hereditary Cancer Syndrome. Identifiers: Orphanet 140162, MedGen C0027672, MeSH D009386, MONDO:0015356.

Submission:

Ambry Genetics
Classification: Uncertain significance for Hereditary cancer-predisposing syndrome. Last evaluated: 2025-08-27. Review status: criteria provided, single submitter. Criteria: Ambry Variant Classification Scheme 2023. Collection method: clinical testing. Allele origin: germline.
Comment: The p.R360K variant (also known as c.1079G>A), located in coding exon 12 of the MUTYH gene, results from a G to A substitution at nucleotide position 1079. The arginine at codon 360 is replaced by lysine, an amino acid with highly similar properties. This amino acid position is conserved. In addition, the in silico prediction for this alteration is inconclusive. Based on the available evidence, the clinical significance of this variant remains unclear.